The following is an entry in ClinVar:

ClinVar aggregate classification (germline): Conflicting classifications of pathogenicity. Review status: criteria provided, conflicting classifications (1 of 4 stars). 5 submissions from 5 submitters: Uncertain significance (1); Benign (1); Likely benign (2). 1 of the submissions does not count toward it. Last evaluated 2026-07-01.

Conditions:
Brain-lung-thyroid syndrome. Also called: Choreoathetosis, Congenital Hypothyroidism, and Neonatal Respiratory Distress Syndrome (Brain-Lung-Thyroid Syndrome); CHOREOATHETOSIS AND CONGENITAL HYPOTHYROIDISM WITH PULMONARY DYSFUNCTION; Choreoathetosis, congenital hypothyroidism, and neonatal respiratory distress. Identifiers: Orphanet 209905, MedGen C1970269, MONDO:0012593, OMIM 610978.
NKX2-1-Related Disorders. Also called: NKX2-1-related disorder. Identifiers: MedGen CN381057.

Submissions (5):

CeGaT Center for Human Genetics Tuebingen
Classification: Likely benign. Last evaluated: 2026-07-01. Review status: criteria provided, single submitter. Criteria: CeGaT Center For Human Genetics Tuebingen Variant Classification Criteria Version 2. Collection method: clinical testing. Allele origin: germline. Affected: yes. Observed: 15 variant alleles.
Comment: NKX2-1: BS1

Labcorp Genetics (formerly Invitae), Labcorp
Classification: Benign. Last evaluated: 2026-01-15. Review status: criteria provided, single submitter. Criteria: Invitae Variant Classification Sherloc (09022015). Collection method: clinical testing. Allele origin: germline.

GeneDx
Classification: Likely benign. Last evaluated: 2020-08-03. Review status: criteria provided, single submitter. Criteria: GeneDx Variant Classification Process June 2021. Collection method: clinical testing. Allele origin: germline. Affected: yes.
Comment: This variant is associated with the following publications: (PMID: 23430038, 28333917)

Mendelics
Classification: Uncertain significance for Brain-lung-thyroid syndrome. Last evaluated: 2019-05-28. Review status: criteria provided, single submitter. Criteria: Mendelics Assertion Criteria 2017. Collection method: clinical testing. Allele origin: unknown.

PreventionGenetics, part of Exact Sciences
Classification: Likely benign for NKX2-1-related condition. Last evaluated: 2020-09-16. Review status: no assertion criteria provided. Collection method: clinical testing. Allele origin: germline. Not counted in ClinVar's aggregate classification.
Comment: This variant is classified as likely benign based on ACMG/AMP sequence variant interpretation guidelines (Richards et al. 2015 PMID: 25741868, with internal and published modifications).

NM_001079668.3(NKX2-1):c.796GGCGGGGGC[3] (p.Gly269_Gly271dup)

Genes: NKX2-1 (NK2 homeobox 1; minus strand), SFTA3 (surfactant associated 3; minus strand). Cytogenetic location: 14q13.3.
Variant type: Microsatellite.
Coding change: c.796GGCGGGGGC[3] on transcript NM_001079668.3 (MANE Select); three copies in a row of the 9-base unit GGCGGGGGC starting at c.796; the reference has two copies in a row; one copy, 9 bases duplicated.
Protein change: p.Gly269_Gly271dup.
Molecular consequence: inframe insertion.
Genome position (GRCh38, 1-based): chr14:36,517,671-36,517,679, GCCCCCGCC duplicated on the plus strand (GGCGGGGGC on the coding strand, the reverse complement: NKX2-1 is on the minus strand); duplicating any 9 consecutive bases within chr14:36,517,671-36,517,691 gives the same sequence; the position shown is the placement nearest the transcript's 3' end. VCF-style (leftmost placement, unchanged base first): chr14-36517670-T-TGCCCCCGCC. GRCh37 (hg19) VCF-style: chr14-36986875-T-TGCCCCCGCC.
Other names: c.805_813dup9 (NM_001079668.2); c.706GGCGGGGGC[3], p.Gly239_Gly241dup (NM_003317.4).
Identifiers: ClinVar variation 695342 (VCV000695342.41), dbSNP rs577015120, ClinGen allele CA7158443.